The following is an entry in ClinVar:

ClinVar aggregate classification (germline): Likely pathogenic (1 of 4 stars; one submission).

Conditions:
Peroxisome biogenesis disorder, complementation group K (CGK). Identifiers: MedGen C1866257, MONDO:0800365.

Submission:

Labcorp Genetics (formerly Invitae), Labcorp
Classification: Likely pathogenic for Peroxisome biogenesis disorder, complementation group K. Last evaluated: 2022-10-05. Review status: criteria provided, single submitter. Criteria: Invitae Variant Classification Sherloc (09022015). Collection method: clinical testing. Allele origin: germline.
Comment: In summary, the currently available evidence indicates that the variant is pathogenic, but additional data are needed to prove that conclusively. Therefore, this variant has been classified as Likely Pathogenic. Algorithms developed to predict the effect of sequence changes on RNA splicing suggest that this variant may disrupt the consensus splice site. ClinVar contains an entry for this variant (Variation ID: 862190). This variant has not been reported in the literature in individuals affected with PEX14-related conditions. This variant is not present in population databases (gnomAD no frequency). This sequence change affects a donor splice site in intron 1 of the PEX14 gene. It is expected to disrupt RNA splicing. Variants that disrupt the donor or acceptor splice site typically lead to a loss of protein function (PMID: 16199547), and loss-of-function variants in PEX14 are known to be pathogenic (PMID: 15146459, 18285423, 26627464).

Literature cited by the submitters: PubMed 16199547; PubMed 15146459; PubMed 18285423; PubMed 26627464.

NM_004565.3(PEX14):c.36+1G>T

Gene: PEX14 (peroxisomal biogenesis factor 14; plus strand). Cytogenetic location: 1p36.22.
Variant type: single nucleotide variant.
Coding change: c.36+1G>T on transcript NM_004565.3 (MANE Select); the canonical splice donor site of the intron after coding-DNA position 36, G replaced by T.
Molecular consequence: splice donor variant.
Genome position (GRCh38, 1-based): chr1:10,475,003, G>T. VCF-style: chr1-10475003-G-T. GRCh37 (hg19) VCF-style: chr1-10535060-G-T.
Identifiers: ClinVar variation 862190 (VCV000862190.8), dbSNP rs1641167602, ClinGen allele CA338357226.
Genomic context (GRCh38, chr1:10,475,003, plus strand): 5'-GTTGATTAGTCAGGCCTCAGAAAGATGGCGTCCTCGGAGCAGGCAGAGCAGCCGAGCCAG[G>T]TAAGGGGAGTGGGACTGCCCCGCTGTGCGGCGGAGACCCCGGCTGGAGGGGGCGCTCAGC-3'